The following is an entry in ClinVar:

NM_201253.3(CRB1):c.1152C>G (p.Ile384Met)

Gene: CRB1 (crumbs cell polarity complex component 1; plus strand). Cytogenetic location: 1q31.3.
Variant type: single nucleotide variant.
Coding change: c.1152C>G on transcript NM_201253.3 (MANE Select); coding-DNA position 1152, C replaced by G.
Protein change: p.Ile384Met; replaces isoleucine 384 with methionine.
Molecular consequence: missense variant. On other transcripts: non-coding transcript variant (2).
Genome position (GRCh38, 1-based): chr1:197,356,994, C>G. VCF-style: chr1-197356994-C-G. GRCh37 (hg19) VCF-style: chr1-197326124-C-G.
Other names: c.816C>G, p.Ile272Met (NM_001193640.2); c.945C>G, p.Ile315Met (NM_001257965.2); c.1152C>G, p.Ile384Met (NM_001257966.2); short protein forms I272M, I384M, I315M.
Identifiers: ClinVar variation 1401700 (VCV001401700.6), dbSNP rs781656059, ClinGen allele CA1311820.

ClinVar aggregate classification (germline): Uncertain significance (1 of 4 stars; one submission).

Conditions:
Retinitis pigmentosa 12 (RP12). Also called: RP WITH OR WITHOUT PPRPE; RP WITH OR WITHOUT PRESERVED PARAARTERIOLE RETINAL PIGMENT EPITHELIUM; RETINITIS PIGMENTOSA WITH OR WITHOUT PARAARTERIOLAR PRESERVATION OF RETINAL PIGMENT EPITHELIUM. Identifiers: Orphanet 791, MedGen C1838647, MONDO:0010818, OMIM 600105.
Leber congenital amaurosis 8 (LCA8). Identifiers: Orphanet 65, MedGen C3151202, MONDO:0013453, OMIM 613835.

Allele frequency attached by ClinVar (database versions not stated): gnomAD 0.00001; gnomAD exomes 0.00001; TOPMed 0.00001; ExAC 0.00002.
gnomAD v4.1: 16 of 1,614,112 alleles (0.00099%); highest among the groups gnomAD compares: Non-Finnish European, 0.0013%; no homozygotes.

Submission:

Labcorp Genetics (formerly Invitae), Labcorp
Classification: Uncertain significance for Leber congenital amaurosis 8; Retinitis pigmentosa 12. Last evaluated: 2022-02-24. Review status: criteria provided, single submitter. Criteria: Invitae Variant Classification Sherloc (09022015). Collection method: clinical testing. Allele origin: germline.
Comment: This sequence change replaces isoleucine, which is neutral and non-polar, with methionine, which is neutral and non-polar, at codon 384 of the CRB1 protein (p.Ile384Met). This variant is present in population databases (rs781656059, gnomAD 0.002%). This variant has not been reported in the literature in individuals affected with CRB1-related conditions. Advanced modeling of protein sequence and biophysical properties (such as structural, functional, and spatial information, amino acid conservation, physicochemical variation, residue mobility, and thermodynamic stability) performed at Invitae indicates that this missense variant is not expected to disrupt CRB1 protein function. In summary, the available evidence is currently insufficient to determine the role of this variant in disease. Therefore, it has been classified as a Variant of Uncertain Significance.